The following is an entry in ClinVar:

ClinVar aggregate classification (germline): Conflicting classifications of pathogenicity. Review status: criteria provided, conflicting classifications (1 of 4 stars). 4 submissions from 4 submitters: Uncertain significance (3); Benign (1). Last evaluated 2024-05-22.

Conditions:
Kleefstra syndrome 1 (KLEFS1). Identifiers: Orphanet 261494, MedGen C0795833, MONDO:0027407, OMIM 610253.

Allele frequency attached by ClinVar (database versions not stated): gnomAD exomes 0.00001; gnomAD 0.00003; TOPMed 0.00001.
gnomAD v4.1: 9 of 1,614,122 alleles (0.00056%); highest among the groups gnomAD compares: Non-Finnish European, 0.00068%; no homozygotes.

Submissions (4):

Labcorp Genetics (formerly Invitae), Labcorp
Classification: Benign for Kleefstra syndrome 1. Last evaluated: 2024-05-22. Review status: criteria provided, single submitter. Criteria: Invitae Variant Classification Sherloc (09022015). Collection method: clinical testing. Allele origin: germline.

GeneDx
Classification: Uncertain significance. Last evaluated: 2023-12-06. Review status: criteria provided, single submitter. Criteria: GeneDx Variant Classification Process June 2021. Collection method: clinical testing. Allele origin: germline. Affected: yes.
Comment: Not observed at significant frequency in large population cohorts (gnomAD); In silico analysis supports that this missense variant has a deleterious effect on protein structure/function; Has not been previously published as pathogenic or benign to our knowledge

Fulgent Genetics
Classification: Uncertain significance for Kleefstra syndrome 1. Last evaluated: 2018-10-31. Review status: criteria provided, single submitter. Criteria: ACMG Guidelines, 2015. Collection method: clinical testing. Allele origin: unknown.

Genetic Services Laboratory, University of Chicago
Classification: Uncertain significance. Last evaluated: 2014-07-01. Review status: criteria provided, single submitter. Criteria: ACMG Guidelines, 2015. Collection method: clinical testing. Allele origin: germline.

NM_024757.5(EHMT1):c.2642C>T (p.Thr881Ile)

Gene: EHMT1 (euchromatic histone lysine methyltransferase 1; plus strand). Cytogenetic location: 9q34.3.
Variant type: single nucleotide variant.
Coding change: c.2642C>T on transcript NM_024757.5 (MANE Select); coding-DNA position 2642, C replaced by T.
Protein change: p.Thr881Ile; replaces threonine 881 with isoleucine.
Molecular consequence: missense variant.
Genome position (GRCh38, 1-based): chr9:137,800,914, C>T. VCF-style: chr9-137800914-C-T. GRCh37 (hg19) VCF-style: chr9-140695366-C-T.
Other names: c.2621C>T, p.Thr874Ile (NM_001354263.2); short protein forms T881I, T874I.
Identifiers: ClinVar variation 210920 (VCV000210920.16), dbSNP rs797045554, ClinGen allele CA207397.